The following is an entry in ClinVar:

NM_000260.4(MYO7A):c.6061A>T (p.Lys2021Ter)

Gene: MYO7A (myosin VIIA; plus strand). Cytogenetic location: 11q13.5.
Variant type: single nucleotide variant.
Coding change: c.6061A>T on transcript NM_000260.4 (MANE Select); coding-DNA position 6061, A replaced by T.
Protein change: p.Lys2021Ter; replaces lysine 2021 with a stop codon.
Molecular consequence: nonsense.
Genome position (GRCh38, 1-based): chr11:77,211,161, A>T. VCF-style: chr11-77211161-A-T. GRCh37 (hg19) VCF-style: chr11-76922206-A-T.
Other names: c.5947A>T, p.Lys1983Ter (NM_001127180.2); c.5914A>T, p.Lys1972Ter (NM_001369365.1); short protein forms K1972*, K1983*, K2021*.
Identifiers: ClinVar variation 5011458 (VCV005011458.1).
Genomic context (GRCh38, chr11:77,211,161, plus strand): 5'-CCCACTTCTGCCAGGTCCCTGCACGCCTGTGACCTGCTCTGTCTCTGACAGGAGTTGCCC[A>T]AGTATCTCCGAGGCTACCACAAGTGCACGCGGGAGGAGGTGCTGCAGCTGGGGGCGCTGA-3'

ClinVar aggregate classification (germline): Pathogenic (1 of 4 stars; one submission).

Conditions:
Usher syndrome type 1 (USH1). Also called: RETINITIS PIGMENTOSA AND CONGENITAL DEAFNESS. Identifiers: Orphanet 231169, Orphanet 886, MedGen C1568247, MONDO:0010168, OMIM 276900.

Submission:

Myriad Genetics, Inc.
Classification: Pathogenic for Usher syndrome type 1. Last evaluated: 2023-08-22. Review status: criteria provided, single submitter. Criteria: Myriad Autosomal Dominant, Autosomal Recessive and X-Linked Classification Criteria (2023). Collection method: clinical testing. Allele origin: unknown.
Comment: NM_000260.3(MYO7A):c.6061A>T(K2021*) is expected to be pathogenic in the context of MYO7A-related disorders. This variant is predicted to lead to an abnormal or absent protein product due to the creation of a premature termination codon in MYO7A, a gene where loss-of-function variants are known to be pathogenic. Please note: this variant was assessed in the context of healthy population screening.